The following is an entry in ClinVar:

NM_001256627.2(BRSK2):c.1248C>G (p.Ala416=)

Gene: BRSK2 (BR serine/threonine kinase 2; plus strand). Cytogenetic location: 11p15.5.
Variant type: single nucleotide variant.
Coding change: c.1248C>G on transcript NM_001256627.2 (MANE Select); coding-DNA position 1248, C replaced by G.
Protein change: p.Ala416=; no amino-acid change (alanine 416 retained).
Molecular consequence: synonymous variant. On other transcripts: non-coding transcript variant (1).
Genome position (GRCh38, 1-based): chr11:1,449,797, C>G. VCF-style: chr11-1449797-C-G. GRCh37 (hg19) VCF-style: chr11-1471027-C-G.
Other names: NC_000011.9:g.1471027C>G; c.1248C>G, p.Ala416= (NM_001256629.2, NM_003957.4); c.1386C>G, p.Ala462= (NM_001256630.1); c.1068C>G, p.Ala356= (NM_001282218.2); c.1248C>G (NM_001256627.1).
Identifiers: ClinVar variation 2641330 (VCV002641330.26), dbSNP rs200368980, ClinGen allele CA5810944.

ClinVar aggregate classification (germline): Likely benign. Review status: criteria provided, single submitter (1 of 4 stars). 2 submissions from 2 submitters: Likely benign (1). 1 of the submissions does not count toward it. Last evaluated 2026-03-01.

Conditions:
BRSK2-related disorder. Also called: BRSK2-related condition; BRSK2-Related Disorders.

Allele frequency attached by ClinVar (database versions not stated): ESP Exome Variant Server 0.00048; ExAC 0.00050; gnomAD exomes 0.00068; 1000 Genomes Project 30x 0.00016.
gnomAD v4.1: 1,059 of 1,612,200 alleles (0.066%); highest among the groups gnomAD compares: Middle Eastern, 0.28%; 2 homozygotes.

Submissions (4):

CeGaT Center for Human Genetics Tuebingen
Classification: Likely benign. Last evaluated: 2026-03-01. Review status: criteria provided, single submitter. Criteria: CeGaT Center For Human Genetics Tuebingen Variant Classification Criteria Version 2. Collection method: clinical testing. Allele origin: germline. Affected: yes. Observed: 4 variant alleles.
Comment: BRSK2: BP4, BP7

PreventionGenetics, part of Exact Sciences
Classification: Likely benign for BRSK2-related condition. Last evaluated: 2024-01-03. Review status: no assertion criteria provided. Collection method: clinical testing. Allele origin: germline. Not counted in ClinVar's aggregate classification.
Comment: This variant is classified as likely benign based on ACMG/AMP sequence variant interpretation guidelines (Richards et al. 2015 PMID: 25741868, with internal and published modifications).

Dr. Peter K. Rogan Lab, Western University
No classification provided (evidence only). Condition: Melanoma. Review status: no classification provided. Collection method: in vitro. Allele origin: not applicable. Functional consequence: retained intron. Not counted in ClinVar's aggregate classification.

Dr. Peter K. Rogan Lab, Western University
No classification provided (evidence only). Condition: Nonpapillary renal cell carcinoma. Review status: no classification provided. Collection method: in vitro. Allele origin: not applicable. Functional consequence: retained intron. Not counted in ClinVar's aggregate classification.